The following is an entry in ClinVar:

NM_001401501.2(MUC16):c.5875G>A (p.Ala1959Thr)

Gene: MUC16 (mucin 16, cell surface associated; minus strand). Cytogenetic location: 19p13.2.
Variant type: single nucleotide variant.
Coding change: c.5875G>A on transcript NM_001401501.2 (MANE Select); coding-DNA position 5875, G replaced by A.
Protein change: p.Ala1959Thr; replaces alanine 1959 with threonine.
Molecular consequence: missense variant.
Genome position (GRCh38, 1-based): chr19:8,975,384, C>T on the plus strand (G>A on the coding strand, the complement: MUC16 is on the minus strand). VCF-style: chr19-8975384-C-T. GRCh37 (hg19) VCF-style: chr19-9086060-C-T.
Other names: c.6301G>A, p.Ala2101Thr (NM_001414686.1); c.5755G>A, p.Ala1919Thr (NM_001414687.1, NM_024690.2); short protein forms A1919T, A1959T, A2101T.
Identifiers: ClinVar variation 781429 (VCV000781429.6), dbSNP rs116412832, ClinGen allele CA9172566.

ClinVar aggregate classification (germline): Benign. Review status: criteria provided, multiple submitters, no conflicts (2 of 4 stars). 3 submissions from 3 submitters: Benign (2). 1 of the submissions does not count toward it. Last evaluated 2018-08-14.

Conditions:
MUC16-related disorder. Also called: MUC16-related condition.

Allele frequency attached by ClinVar (database versions not stated): ESP Exome Variant Server 0.02307; gnomAD exomes 0.00237 and 0.00570; 1000 Genomes Project 30x 0.02436; TOPMed 0.02468; gnomAD 0.02323 and 0.02172; ExAC 0.00690; 1000 Genomes Project 0.02256.

Submissions (3):

Labcorp Genetics (formerly Invitae), Labcorp
Classification: Benign. Last evaluated: 2018-08-14. Review status: criteria provided, single submitter. Criteria: Invitae Variant Classification Sherloc (09022015). Collection method: clinical testing. Allele origin: germline.

Breakthrough Genomics
Classification: Benign. Review status: criteria provided, single submitter. Criteria: ACMG Guidelines, 2015. Collection method: not provided. Allele origin: germline. Inheritance: Unknown mechanism. Affected: yes.

PreventionGenetics, part of Exact Sciences
Classification: Benign for MUC16-related condition. Last evaluated: 2019-10-01. Review status: no assertion criteria provided. Collection method: clinical testing. Allele origin: germline. Not counted in ClinVar's aggregate classification.
Comment: This variant is classified as benign based on ACMG/AMP sequence variant interpretation guidelines (Richards et al. 2015 PMID: 25741868, with internal and published modifications).